The following is an entry in ClinVar:

NM_001276270.2(MBD4):c.250A>G (p.Lys84Glu)

Gene: MBD4 (methyl-CpG binding domain 4, DNA glycosylase; minus strand). Cytogenetic location: 3q21.3.
Variant type: single nucleotide variant.
Coding change: c.250A>G on transcript NM_001276270.2 (MANE Select); coding-DNA position 250, A replaced by G.
Protein change: p.Lys84Glu; replaces lysine 84 with glutamic acid.
Molecular consequence: missense variant. On other transcripts: intron variant (1).
Genome position (GRCh38, 1-based): chr3:129,437,805, T>C on the plus strand (A>G on the coding strand, the complement: MBD4 is on the minus strand). VCF-style: chr3-129437805-T-C. GRCh37 (hg19) VCF-style: chr3-129156648-T-C.
Other names: c.250A>G, p.Lys84Glu (NM_001276271.2, NM_001276272.2, NM_003925.3); c.247+3A>G (NM_001276273.2); short protein forms K84E.
Identifiers: ClinVar variation 3870853 (VCV003870853.1).

ClinVar aggregate classification (germline): Uncertain significance (1 of 4 stars; one submission).

Conditions:
Inborn genetic diseases. Identifiers: MedGen C0950123, MeSH D030342.

gnomAD v4.1: 3 of 1,614,152 alleles (0.00019%); highest among the groups gnomAD compares: South Asian, 0.0033%; no homozygotes.

Submission:

Ambry Genetics
Classification: Uncertain significance for Inborn genetic diseases. Last evaluated: 2024-12-12. Review status: criteria provided, single submitter. Criteria: Ambry Variant Classification Scheme 2023. Collection method: clinical testing. Allele origin: germline.
Comment: The p.K84E variant (also known as c.250A>G), located in coding exon 2 of the MBD4 gene, results from an A to G substitution at nucleotide position 250. The lysine at codon 84 is replaced by glutamic acid, an amino acid with similar properties. This amino acid position is conserved. In addition, this alteration is predicted to be tolerated by in silico analysis. Based on the available evidence, the clinical significance of this variant remains unclear.